The following is an entry in ClinVar:

ClinVar aggregate classification (germline): Conflicting classifications of pathogenicity. Review status: criteria provided, conflicting classifications (1 of 4 stars). 3 submissions from 3 submitters: Uncertain significance (2); Likely benign (1). Last evaluated 2025-09-27.

Conditions:
Hereditary cancer-predisposing syndrome. Also called: Neoplastic Syndromes, Hereditary; Hereditary neoplastic syndrome; Tumor predisposition; Hereditary Cancer Syndrome. Identifiers: Orphanet 140162, MedGen C0027672, MeSH D009386, MONDO:0015356.
Arthrogryposis, distal, IIa 11. Also called: Arthrogryposis, distal, type 11. Identifiers: MedGen C5774205, MONDO:0031045, OMIM 620019.
Hepatocellular carcinoma (HCC). Also called: Primary carcinoma of liver; HEPATOMA; LIVER CELL CARCINOMA. Identifiers: Orphanet 88673, MedGen C2239176, MONDO:0007256, OMIM 114550, HP:0001402.
Autosomal recessive nonsyndromic hearing loss 97. Also called: Deafness, autosomal recessive 97. Identifiers: Orphanet 90636, MedGen C4084709, MONDO:0014739, OMIM 616705.
Papillary renal cell carcinoma type 1 (RCCP1). Also called: RENAL CELL CARCINOMA, PAPILLARY, 1, SOMATIC; Renal adenocarcinoma; Renal cell carcinoma 1; Renal cell carcinoma, somatic. Identifiers: Orphanet 47044, MedGen C1336839, OMIM 605074, HP:0011797.
Osteofibrous dysplasia (OSFD). Also called: Tibia, bowing of, with pseudarthrosis and pectus excavatum. Identifiers: Orphanet 488265, MedGen C4085248, MONDO:0011806, OMIM 607278.
Renal cell carcinoma. Identifiers: Orphanet 217071, MedGen C0007134, MeSH D002292, MONDO:0005086, HP:0005584.

Allele frequency attached by ClinVar (database versions not stated): ExAC 0.00001; gnomAD exomes 0.00001.
gnomAD v4.1: 13 of 1,614,058 alleles (0.00081%); highest among the groups gnomAD compares: East Asian, 0.029%; no homozygotes.

Submissions (3):

Labcorp Genetics (formerly Invitae), Labcorp
Classification: Uncertain significance for Renal cell carcinoma. Last evaluated: 2025-09-27. Review status: criteria provided, single submitter. Criteria: Invitae Variant Classification Sherloc (09022015). Collection method: clinical testing. Allele origin: germline.
Comment: This sequence change replaces serine, which is neutral and polar, with arginine, which is basic and polar, at codon 102 of the MET protein (p.Ser102Arg). This variant is present in population databases (rs749383450, gnomAD 0.02%). This variant has not been reported in the literature in individuals affected with MET-related conditions. ClinVar contains an entry for this variant (Variation ID: 524894). Invitae Evidence Modeling of protein sequence and biophysical properties (such as structural, functional, and spatial information, amino acid conservation, physicochemical variation, residue mobility, and thermodynamic stability) indicates that this missense variant is not expected to disrupt MET protein function with a negative predictive value of 80%. In summary, the available evidence is currently insufficient to determine the role of this variant in disease. Therefore, it has been classified as a Variant of Uncertain Significance.

Fulgent Genetics
Classification: Uncertain significance for Hepatocellular carcinoma; Papillary renal cell carcinoma type 1; Osteofibrous dysplasia; Autosomal recessive nonsyndromic hearing loss 97; Arthrogryposis, distal, IIa 11. Last evaluated: 2024-04-30. Review status: criteria provided, single submitter. Criteria: ACMG Guidelines, 2015. Collection method: clinical testing. Allele origin: germline.

Ambry Genetics
Classification: Likely benign for Hereditary cancer-predisposing syndrome. Last evaluated: 2022-11-07. Review status: criteria provided, single submitter. Criteria: Ambry Variant Classification Scheme 2023. Collection method: clinical testing. Allele origin: germline.

NM_000245.4(MET):c.306C>G (p.Ser102Arg)

Gene: MET (MET proto-oncogene, receptor tyrosine kinase; plus strand). Cytogenetic location: 7q31.2.
Variant type: single nucleotide variant.
Coding change: c.306C>G on transcript NM_000245.4 (MANE Select); coding-DNA position 306, C replaced by G.
Protein change: p.Ser102Arg; replaces serine 102 with arginine.
Molecular consequence: missense variant. On other transcripts: intron variant (1).
Genome position (GRCh38, 1-based): chr7:116,699,390, C>G. VCF-style: chr7-116699390-C-G. GRCh37 (hg19) VCF-style: chr7-116339444-C-G.
Other names: c.306C>G, p.Ser102Arg (NM_001127500.3, NM_001324401.3); c.-91+26813C>G (NM_001324402.2); short protein forms S102R.
Identifiers: ClinVar variation 524894 (VCV000524894.14), dbSNP rs749383450, ClinGen allele CA4447973.